The following is an entry in ClinVar:

NM_003823.4(TNFRSF6B):c.716C>T (p.Pro239Leu)

Genes: RTEL1-TNFRSF6B (RTEL1-TNFRSF6B readthrough (NMD candidate); plus strand), TNFRSF6B (TNF receptor superfamily member 6b; plus strand). Cytogenetic location: 20q13.33.
Variant type: single nucleotide variant.
Coding change: c.716C>T on transcript NM_003823.4 (MANE Select); coding-DNA position 716, C replaced by T.
Protein change: p.Pro239Leu; replaces proline 239 with leucine.
Molecular consequence: missense variant. On other transcripts: non-coding transcript variant (1).
Genome position (GRCh38, 1-based): chr20:63,698,376, C>T. VCF-style: chr20-63698376-C-T. GRCh37 (hg19) VCF-style: chr20-62329729-C-T.
Other names: c.716C>T (NM_003823.3); short protein forms P239L.
Identifiers: ClinVar variation 2884636 (VCV002884636.4), dbSNP rs780071498, ClinGen allele CA9966572.
Genomic context (GRCh38, chr20:63,698,376, plus strand): 5'-TGGCTTTCCAGGACATCTCCATCAAGAGGCTGCAGCGGCTGCTGCAGGCCCTCGAGGCCC[C>T]GGAGGGCTGGGGTCCGACACCAAGGGCGGGCCGCGCGGCCTTGCAGCTGAAGCTGCGTCG-3'
Protein context (NP_003814.1, residues 229-249): LQRLLQALEA[Pro239Leu]EGWGPTPRAG

ClinVar aggregate classification (germline): Uncertain significance. Review status: criteria provided, multiple submitters, no conflicts (2 of 4 stars). 2 submissions from 2 submitters: Uncertain significance (2). Last evaluated 2025-08-19.

Allele frequency attached by ClinVar (database versions not stated): gnomAD 0.00003; ExAC 0.00003; TOPMed 0.00005.
gnomAD v4.1: 72 of 1,607,748 alleles (0.0045%); highest among the groups gnomAD compares: East Asian, 0.027%; no homozygotes.

Submissions (2):

Labcorp Genetics (formerly Invitae), Labcorp
Classification: Uncertain significance. Last evaluated: 2025-08-19. Review status: criteria provided, single submitter. Criteria: Invitae Variant Classification Sherloc (09022015). Collection method: clinical testing. Allele origin: germline.
Comment: This sequence change replaces proline, which is neutral and non-polar, with leucine, which is neutral and non-polar, at codon 239 of the TNFRSF6B protein (p.Pro239Leu). This variant is present in population databases (rs780071498, gnomAD 0.06%). This variant has not been reported in the literature in individuals affected with TNFRSF6B-related conditions. ClinVar contains an entry for this variant (Variation ID: 2884636). An algorithm developed to predict the effect of missense changes on protein structure and function outputs the following: PolyPhen-2: "Benign". The leucine amino acid residue is found in multiple mammalian species, which suggests that this missense change does not adversely affect protein function. In summary, the available evidence is currently insufficient to determine the role of this variant in disease. Therefore, it has been classified as a Variant of Uncertain Significance.

Ambry Genetics
Classification: Uncertain significance. Last evaluated: 2025-05-30. Review status: criteria provided, single submitter. Criteria: Ambry Variant Classification Scheme 2023. Collection method: clinical testing. Allele origin: germline.